The following is an entry in ClinVar:

ClinVar aggregate classification (germline): Uncertain significance. Review status: criteria provided, multiple submitters, no conflicts (2 of 4 stars). 4 submissions from 4 submitters: Uncertain significance (4). Last evaluated 2025-01-21.

Conditions:
Inborn genetic diseases. Identifiers: MedGen C0950123, MeSH D030342.

Allele frequency attached by ClinVar (database versions not stated): gnomAD exomes 0.00006 and 0.00009; ExAC 0.00018; gnomAD 0.00021 and 0.00022; TOPMed 0.00022; 1000 Genomes Project 30x 0.00031; 1000 Genomes Project 0.00040.
gnomAD v4.1: 120 of 1,567,210 alleles (0.0077%); highest among the groups gnomAD compares: African/African-American, 0.09%; 1 homozygote.

Submissions (4):

Ambry Genetics
Classification: Uncertain significance for Inborn genetic diseases. Last evaluated: 2025-01-21. Review status: criteria provided, single submitter. Criteria: Ambry Variant Classification Scheme 2023. Collection method: clinical testing. Allele origin: germline.

GeneDx
Classification: Uncertain significance. Last evaluated: 2024-07-11. Review status: criteria provided, single submitter. Criteria: GeneDx Variant Classification Process June 2021. Collection method: clinical testing. Allele origin: germline. Affected: yes.
Comment: In silico analysis indicates that this missense variant does not alter protein structure/function; Has not been previously published as pathogenic or benign to our knowledge

Labcorp Genetics (formerly Invitae), Labcorp
Classification: Uncertain significance. Last evaluated: 2022-07-05. Review status: criteria provided, single submitter. Criteria: Invitae Variant Classification Sherloc (09022015). Collection method: clinical testing. Allele origin: germline.
Comment: This sequence change replaces asparagine, which is neutral and polar, with serine, which is neutral and polar, at codon 340 of the CRB2 protein (p.Asn340Ser). This variant is present in population databases (rs201851098, gnomAD 0.05%). This variant has not been reported in the literature in individuals affected with CRB2-related conditions. ClinVar contains an entry for this variant (Variation ID: 1473063). Advanced modeling of protein sequence and biophysical properties (such as structural, functional, and spatial information, amino acid conservation, physicochemical variation, residue mobility, and thermodynamic stability) performed at Invitae indicates that this missense variant is not expected to disrupt CRB2 protein function. In summary, the available evidence is currently insufficient to determine the role of this variant in disease. Therefore, it has been classified as a Variant of Uncertain Significance.

Breakthrough Genomics
Classification: Uncertain significance. Review status: criteria provided, single submitter. Criteria: ACMG Guidelines, 2015. Collection method: not provided. Allele origin: germline. Inheritance: Autosomal recessive inheritance. Affected: yes.

NM_173689.7(CRB2):c.1019A>G (p.Asn340Ser)

Gene: CRB2 (crumbs cell polarity complex component 2; plus strand). Cytogenetic location: 9q33.3.
Variant type: single nucleotide variant.
Coding change: c.1019A>G on transcript NM_173689.7 (MANE Select); coding-DNA position 1019, A replaced by G.
Protein change: p.Asn340Ser; replaces asparagine 340 with serine.
Molecular consequence: missense variant.
Genome position (GRCh38, 1-based): chr9:123,367,651, A>G. VCF-style: chr9-123367651-A-G. GRCh37 (hg19) VCF-style: chr9-126129930-A-G.
Other names: c.1019A>G (NM_173689.5, NM_173689.6); short protein forms N340S.
Identifiers: ClinVar variation 1473063 (VCV001473063.7), dbSNP rs201851098, ClinGen allele CA5231871.